The following is an entry in ClinVar:

NM_014921.5(ADGRL1):c.707G>A (p.Arg236His)

Genes: ADGRL1 (adhesion G protein-coupled receptor L1; minus strand), ADGRL1-AS1 (ADGRL1 antisense RNA 1; plus strand). Cytogenetic location: 19p13.12.
Variant type: single nucleotide variant.
Coding change: c.707G>A on transcript NM_014921.5 (MANE Select); coding-DNA position 707, G replaced by A.
Protein change: p.Arg236His; replaces arginine 236 with histidine.
Molecular consequence: missense variant.
Genome position (GRCh38, 1-based): chr19:14,163,094, C>T on the plus strand (G>A on the coding strand, the complement: ADGRL1 is on the minus strand). VCF-style: chr19-14163094-C-T. GRCh37 (hg19) VCF-style: chr19-14273906-C-T.
Other names: c.722G>A, p.Arg241His (NM_001008701.3); short protein forms R236H, R241H.
Identifiers: ClinVar variation 5041614 (VCV005041614.1).
Genomic context (GRCh38, chr19:14,163,094, plus strand): 5'-CGGTAGGGCGAGGTGTCATGGTAGTTGGCGGTATTGATGACCGTCTCCCCGCTCTTGATG[C>T]GCGTCCGTAGGTCATACTTGACGATGTTGCGCGTGCGCTCCTTGTTGTAGAAGACGGCAC-3'
Protein context (NP_055736.2, residues 226-246): RNIVKYDLRT[Arg236His]IKSGETVINT

ClinVar aggregate classification (germline): Uncertain significance (1 of 4 stars; one submission).

gnomAD v4.1: 9 of 1,613,944 alleles (0.00056%); highest among the groups gnomAD compares: South Asian, 0.0033%; no homozygotes.

Submission:

CeGaT Center for Human Genetics Tuebingen
Classification: Uncertain significance. Last evaluated: 2026-09-01. Review status: criteria provided, single submitter. Criteria: CeGaT Center For Human Genetics Tuebingen Variant Classification Criteria Version 2. Collection method: clinical testing. Allele origin: germline. Affected: yes. Observed: 1 variant allele.
Comment: ADGRL1: PP3